The following is an entry in ClinVar:

NM_005188.4(CBL):c.2006C>G (p.Ser669Cys)

Gene: CBL (Cbl proto-oncogene; plus strand). Cytogenetic location: 11q23.3.
Variant type: single nucleotide variant.
Coding change: c.2006C>G on transcript NM_005188.4 (MANE Select); coding-DNA position 2006, C replaced by G.
Protein change: p.Ser669Cys; replaces serine 669 with cysteine.
Molecular consequence: missense variant.
Genome position (GRCh38, 1-based): chr11:119,287,916, C>G. VCF-style: chr11-119287916-C-G. GRCh37 (hg19) VCF-style: chr11-119158626-C-G.
Other names: short protein forms S669C.
Identifiers: ClinVar variation 3827780 (VCV003827780.1).
Genomic context (GRCh38, chr11:119,287,916, plus strand): 5'-TGAATAGCAGCCCATTAGTAGGTCCAGAGTGTGACCACCCCAAAATCAAACCTTCCTCAT[C>G]TGCCAATGCCATTTATTCTCTGGCTGCCAGGTAAGTCTGCTAAAGCTATATTTTGTACAG-3'
Protein context (NP_005179.2, residues 659-679): CDHPKIKPSS[Ser669Cys]ANAIYSLAAR

ClinVar aggregate classification (germline): Uncertain significance (1 of 4 stars; one submission).

Conditions:
Cardiovascular phenotype. Identifiers: MedGen CN230736.

Submission:

Ambry Genetics
Classification: Uncertain significance for Cardiovascular phenotype. Last evaluated: 2024-12-19. Review status: criteria provided, single submitter. Criteria: Ambry Variant Classification Scheme 2023. Collection method: clinical testing. Allele origin: germline.
Comment: The p.S669C variant (also known as c.2006C>G), located in coding exon 12 of the CBL gene, results from a C to G substitution at nucleotide position 2006. The serine at codon 669 is replaced by cysteine, an amino acid with dissimilar properties. This amino acid position is conserved. In addition, the in silico prediction for this alteration is inconclusive. Based on the available evidence, the clinical significance of this variant remains unclear.